The following is an entry in ClinVar:

NM_002907.4(RECQL):c.1615C>T (p.Arg539Cys)

Gene: RECQL (RecQ like helicase; minus strand). Cytogenetic location: 12p12.1.
Variant type: single nucleotide variant.
Coding change: c.1615C>T on transcript NM_002907.4 (MANE Select); coding-DNA position 1615, C replaced by T.
Protein change: p.Arg539Cys; replaces arginine 539 with cysteine.
Molecular consequence: missense variant.
Genome position (GRCh38, 1-based): chr12:21,471,480, G>A on the plus strand (C>T on the coding strand, the complement: RECQL is on the minus strand). VCF-style: chr12-21471480-G-A. GRCh37 (hg19) VCF-style: chr12-21624414-G-A.
Other names: c.1615C>T (NM_002907.3); c.1615C>T, p.Arg539Cys (NM_032941.3); short protein forms R539C.
Identifiers: ClinVar variation 2719207 (VCV002719207.4), dbSNP rs1446208953, ClinGen allele CA384116022.

ClinVar aggregate classification (germline): Uncertain significance. Review status: criteria provided, multiple submitters, no conflicts (2 of 4 stars). 2 submissions from 2 submitters: Uncertain significance (2). Last evaluated 2025-05-02.

Allele frequency attached by ClinVar (database versions not stated): TOPMed below 0.00001; gnomAD exomes 0.00001.
gnomAD v4.1: 10 of 1,613,148 alleles (0.00062%); highest among the groups gnomAD compares: East Asian, 0.0022%; no homozygotes.

Submissions (2):

Ambry Genetics
Classification: Uncertain significance. Last evaluated: 2025-05-02. Review status: criteria provided, single submitter. Criteria: Ambry Variant Classification Scheme 2023. Collection method: clinical testing. Allele origin: germline.
Comment: The p.R539C variant (also known as c.1615C>T), located in coding exon 12 of the RECQL gene, results from a C to T substitution at nucleotide position 1615. The arginine at codon 539 is replaced by cysteine, an amino acid with highly dissimilar properties. This amino acid position is conserved. In addition, this alteration is predicted to be deleterious by in silico analysis. Based on the available evidence, the clinical significance of this variant remains unclear.

Labcorp Genetics (formerly Invitae), Labcorp
Classification: Uncertain significance. Last evaluated: 2023-05-20. Review status: criteria provided, single submitter. Criteria: Invitae Variant Classification Sherloc (09022015). Collection method: clinical testing. Allele origin: germline.
Comment: In summary, the available evidence is currently insufficient to determine the role of this variant in disease. Therefore, it has been classified as a Variant of Uncertain Significance. Advanced modeling of protein sequence and biophysical properties (such as structural, functional, and spatial information, amino acid conservation, physicochemical variation, residue mobility, and thermodynamic stability) performed at Invitae indicates that this missense variant is expected to disrupt RECQL protein function. This variant has not been reported in the literature in individuals affected with RECQL-related conditions. This variant is not present in population databases (gnomAD no frequency). This sequence change replaces arginine, which is basic and polar, with cysteine, which is neutral and slightly polar, at codon 539 of the RECQL protein (p.Arg539Cys).